The following is an entry in ClinVar:

ClinVar aggregate classification (germline): Conflicting classifications of pathogenicity. Review status: criteria provided, conflicting classifications (1 of 4 stars). 2 submissions from 2 submitters: Uncertain significance (1); Likely benign (1). Last evaluated 2024-01-02.

Conditions:
Hereditary sensory and autonomic neuropathy type 6. Also called: HSAN VI; Neuropathy, hereditary sensory and autonomic, type VI. Identifiers: Orphanet 314381, MedGen C3539003, MONDO:0013839, OMIM 614653.
Epidermolysis bullosa simplex 3, localized or generalized intermediate, with BP230 deficiency (EBS3). Also called: Epidermolysis bullosa simplex, autosomal recessive 2; Epidermolysis bullosa simplex due to BP230 deficiency. Identifiers: Orphanet 412181, MedGen C3809470, MONDO:0014180, OMIM 615425.
Inborn genetic diseases. Identifiers: MedGen C0950123, MeSH D030342.

Allele frequency attached by ClinVar (database versions not stated): gnomAD 0.00001; gnomAD exomes 0.00001 and 0.00002; ExAC 0.00002; TOPMed 0.00002.
gnomAD v4.1: 13 of 1,613,514 alleles (0.00081%); highest among the groups gnomAD compares: Admixed American, 0.0067%; no homozygotes.

Submissions (2):

Labcorp Genetics (formerly Invitae), Labcorp
Classification: Uncertain significance for Epidermolysis bullosa simplex 3, localized or generalized intermediate, with BP230 deficiency; Hereditary sensory and autonomic neuropathy type 6. Last evaluated: 2024-01-02. Review status: criteria provided, single submitter. Criteria: Invitae Variant Classification Sherloc (09022015). Collection method: clinical testing. Allele origin: germline.
Comment: The DST gene has multiple clinically relevant transcripts. This variant occurs in alternate transcript NM_015548.4, and corresponds to NM_001723.5:c.*87996A>C in the primary transcript. This sequence change replaces glutamic acid, which is acidic and polar, with alanine, which is neutral and non-polar, at codon 3342 of the DST protein (p.Glu3342Ala). This variant is present in population databases (rs753007435, gnomAD 0.006%). This variant has not been reported in the literature in individuals affected with DST-related conditions. Experimental studies and prediction algorithms are not available or were not evaluated, and the functional significance of this variant is currently unknown. In summary, the available evidence is currently insufficient to determine the role of this variant in disease. Therefore, it has been classified as a Variant of Uncertain Significance.

Ambry Genetics
Classification: Likely benign for Inborn genetic diseases. Last evaluated: 2020-04-13. Review status: criteria provided, single submitter. Criteria: Ambry Variant Classification Scheme 2023. Collection method: clinical testing. Allele origin: germline.

NM_001374736.1(DST):c.17894A>C (p.Glu5965Ala)

Gene: DST (dystonin; minus strand). Cytogenetic location: 6p12.1.
Variant type: single nucleotide variant.
Coding change: c.17894A>C on transcript NM_001374736.1 (MANE Select); coding-DNA position 17894, A replaced by C.
Protein change: p.Glu5965Ala; replaces glutamic acid 5965 with alanine.
Molecular consequence: missense variant.
Genome position (GRCh38, 1-based): chr6:56,527,521, T>G on the plus strand (A>C on the coding strand, the complement: DST is on the minus strand). VCF-style: chr6-56527521-T-G. GRCh37 (hg19) VCF-style: chr6-56392319-T-G.
Other names: c.11537A>C, p.Glu3846Ala (NM_001144769.5); c.11123A>C, p.Glu3708Ala (NM_001144770.2); c.17894A>C, p.Glu5965Ala (NM_001374722.1); c.16934A>C, p.Glu5645Ala (NM_001374729.1); c.10676A>C, p.Glu3559Ala (NM_001374730.1); c.17921A>C, p.Glu5974Ala (NM_001374734.1); c.11003A>C, p.Glu3668Ala (NM_001386100.1, NM_183380.4); c.10025A>C, p.Glu3342Ala (NM_015548.5); short protein forms E3708A, E5965A, E5974A, E5645A, E3342A, E3559A, E3846A, E3668A.
Identifiers: ClinVar variation 1345524 (VCV001345524.8), dbSNP rs753007435, ClinGen allele CA3867347.